The following is an entry in ClinVar:

ClinVar aggregate classification (germline): Uncertain significance (1 of 4 stars; one submission).

Conditions:
Arrhythmogenic right ventricular cardiomyopathy (ARVD). Also called: Arrhythmogenic right ventricular dysplasia; Cardiomyopathy, ARVC; Arrhythmogenic cardiomyopathy; Arrhythmogenic Right Ventricular Cardiomyopathy (ARVC). Identifiers: Orphanet 247, MedGen C0349788, MeSH D019571, MONDO:0016587. Disease mechanism: loss of function. Inheritance: Various modes of inheritance.

Submission:

All of Us Research Program, National Institutes of Health
Classification: Uncertain significance for Arrhythmogenic right ventricular cardiomyopathy. Last evaluated: 2024-03-24. Review status: criteria provided, single submitter. Criteria: ACMG Guidelines, 2015. Collection method: clinical testing. Allele origin: germline. Inheritance: Autosomal dominant inheritance. Observed: 1 variant allele, 1 heterozygote.
Comment: This missense variant replaces isoleucine with leucine at codon 651 of the DSG2 protein. Computational prediction suggests that this variant may not impact protein structure and function (internally defined REVEL score threshold <= 0.5, PMID: 27666373). To our knowledge, functional studies have not been reported for this variant. This variant has not been reported in individuals affected with DSG2-related disorders in the literature. This variant has not been identified in the general population by the Genome Aggregation Database (gnomAD). The available evidence is insufficient to determine the role of this variant in disease conclusively. Therefore, this variant is classified as a Variant of Uncertain Significance.

This study involves interpretation of variants in research participants for the purpose of population health screening. Participant phenotype was not available at the time of variant classification. Additional details can be found in publication PMID: 35346344, PMCID: PMC8962531

NM_001943.5(DSG2):c.1951A>T (p.Ile651Leu)

Gene: DSG2 (desmoglein 2; plus strand). Cytogenetic location: 18q12.1.
Variant type: single nucleotide variant.
Coding change: c.1951A>T on transcript NM_001943.5 (MANE Select); coding-DNA position 1951, A replaced by T.
Protein change: p.Ile651Leu; replaces isoleucine 651 with leucine.
Molecular consequence: missense variant.
Genome position (GRCh38, 1-based): chr18:31,541,264, A>T. VCF-style: chr18-31541264-A-T. GRCh37 (hg19) VCF-style: chr18-29121227-A-T.
Other names: short protein forms I651L.
Identifiers: ClinVar variation 3386592 (VCV003386592.1).
Genomic context (GRCh38, chr18:31,541,264, plus strand): 5'-TTACTGCTGATGTGCCATTGCGGAAAGGGCGCCAAAGGCTTTACCCCCATACCTGGCACC[A>T]TAGAGATGCTGCATCCTTGGAATAATGAAGGAGCACCACCTGAAGACAAGGTCAGTGGAT-3'
Protein context (NP_001934.2, residues 641-661): AKGFTPIPGT[Ile651Leu]EMLHPWNNEG